The following is an entry in ClinVar:

NM_013382.7(POMT2):c.917G>A (p.Ser306Asn)

Gene: POMT2 (protein O-mannosyltransferase 2; minus strand). Cytogenetic location: 14q24.3.
Variant type: single nucleotide variant.
Coding change: c.917G>A on transcript NM_013382.7 (MANE Select); coding-DNA position 917, G replaced by A.
Protein change: p.Ser306Asn; replaces serine 306 with asparagine.
Molecular consequence: missense variant.
Genome position (GRCh38, 1-based): chr14:77,299,461, C>T on the plus strand (G>A on the coding strand, the complement: POMT2 is on the minus strand). VCF-style: chr14-77299461-C-T. GRCh37 (hg19) VCF-style: chr14-77765804-C-T.
Other names: short protein forms S306N.
Identifiers: ClinVar variation 2155079 (VCV002155079.2), dbSNP rs770433572, ClinGen allele CA7286052.

ClinVar aggregate classification (germline): Uncertain significance (1 of 4 stars; one submission).

Conditions:
Muscular dystrophy-dystroglycanopathy (congenital with brain and eye anomalies), type A2. Also called: MUSCULAR DYSTROPHY-DYSTROGLYCANOPATHY (CONGENITAL WITH BRAIN AND EYE ANOMALIES), TYPE A, 2; WALKER-WARBURG SYNDROME OR MUSCLE-EYE-BRAIN DISEASE, POMT2-RELATED. Identifiers: Orphanet 588, Orphanet 899, MedGen C3150411, MONDO:0013154, OMIM 613150.
Autosomal recessive limb-girdle muscular dystrophy type 2N. Also called: MUSCULAR DYSTROPHY-DYSTROGLYCANOPATHY, LIMB-GIRDLE, POMT2-RELATED; Muscular dystrophy-dystroglycanopathy (limb-girdle), type C, 2. Identifiers: Orphanet 206559, MedGen C3150418, MONDO:0013162, OMIM 613158.
Muscular dystrophy-dystroglycanopathy (congenital with impaired intellectual development), type B, 2. Also called: Muscular dystrophy-dystroglycanopathy (congenital with intellectual disability), type B2; MUSCULAR DYSTROPHY, CONGENITAL, POMT2-RELATED. Identifiers: MedGen C3150416, MONDO:0013160, OMIM 613156.

Allele frequency attached by ClinVar (database versions not stated): ExAC 0.00001; gnomAD exomes 0.00001.

Submission:

Labcorp Genetics (formerly Invitae), Labcorp
Classification: Uncertain significance for Muscular dystrophy-dystroglycanopathy (congenital with impaired intellectual development), type B, 2; Muscular dystrophy-dystroglycanopathy (congenital with brain and eye anomalies), type A2; Autosomal recessive limb-girdle muscular dystrophy type 2N. Last evaluated: 2022-03-15. Review status: criteria provided, single submitter. Criteria: Invitae Variant Classification Sherloc (09022015). Collection method: clinical testing. Allele origin: germline.
Comment: In summary, the available evidence is currently insufficient to determine the role of this variant in disease. Therefore, it has been classified as a Variant of Uncertain Significance. Algorithms developed to predict the effect of missense changes on protein structure and function output the following: SIFT: "Tolerated"; PolyPhen-2: "Benign"; Align-GVGD: "Class C0". The asparagine amino acid residue is found in multiple mammalian species, which suggests that this missense change does not adversely affect protein function. This variant has not been reported in the literature in individuals affected with POMT2-related conditions. This variant is present in population databases (rs770433572, gnomAD 0.0009%). This sequence change replaces serine, which is neutral and polar, with asparagine, which is neutral and polar, at codon 306 of the POMT2 protein (p.Ser306Asn).